The following is an entry in ClinVar:

ClinVar aggregate classification (germline): Conflicting classifications of pathogenicity. Review status: criteria provided, conflicting classifications (1 of 4 stars). 3 submissions from 3 submitters: Uncertain significance (2); Likely benign (1). Last evaluated 2025-06-26.

Allele frequency attached by ClinVar (database versions not stated): ExAC 0.00012; gnomAD 0.00012; TOPMed 0.00014; 1000 Genomes Project 0.00040; 1000 Genomes Project 30x 0.00094.
gnomAD v4.1: 333 of 1,537,192 alleles (0.022%); highest among the groups gnomAD compares: Non-Finnish European, 0.027%; no homozygotes.

Submissions (3):

GeneDx
Classification: Uncertain significance. Last evaluated: 2025-06-26. Review status: criteria provided, single submitter. Criteria: GeneDx Variant Classification Process June 2021. Collection method: clinical testing. Allele origin: germline. Affected: yes.
Comment: In silico analysis suggests that this missense variant does not alter protein structure/function; Has not been previously published as pathogenic or benign to our knowledge

Labcorp Genetics (formerly Invitae), Labcorp
Classification: Likely benign. Last evaluated: 2024-12-10. Review status: criteria provided, single submitter. Criteria: Invitae Variant Classification Sherloc (09022015). Collection method: clinical testing. Allele origin: germline.

Women's Health and Genetics/Laboratory Corporation of America, LabCorp
Classification: Uncertain significance. Last evaluated: 2023-12-15. Review status: criteria provided, single submitter. Criteria: LabCorp Variant Classification Summary - May 2015. Collection method: clinical testing. Allele origin: germline.
Comment: Variant summary: RNF213 c.3608C>T (p.Ser1203Leu) results in a non-conservative amino acid change in the encoded protein sequence. Three of four in-silico tools predict a benign effect of the variant on protein function. The variant allele was found at a frequency of 0.00013 in 141774 control chromosomes (gnomAD). To our knowledge, no occurrence of c.3608C>T in individuals affected with Moyamoya Disease 2 and no experimental evidence demonstrating its impact on protein function have been reported. No submitters have cited clinical-significance assessments for this variant to ClinVar after 2014. Based on the evidence outlined above, the variant was classified as uncertain significance.

NM_001256071.3(RNF213):c.3608C>T (p.Ser1203Leu)

Gene: RNF213 (ring finger protein 213; plus strand). Cytogenetic location: 17q25.3.
Variant type: single nucleotide variant.
Coding change: c.3608C>T on transcript NM_001256071.3 (MANE Select); coding-DNA position 3608, C replaced by T.
Protein change: p.Ser1203Leu; replaces serine 1203 with leucine.
Molecular consequence: missense variant.
Genome position (GRCh38, 1-based): chr17:80,332,096, C>T. VCF-style: chr17-80332096-C-T. GRCh37 (hg19) VCF-style: chr17-78305896-C-T.
Other names: c.3608C>T (NM_001256071.1); c.3755C>T, p.Ser1252Leu (NM_001410195.1, NM_020914.5); short protein forms S1203L, S1252L.
Identifiers: ClinVar variation 2691278 (VCV002691278.4), dbSNP rs200898632, ClinGen allele CA8820194.